The following is an entry in ClinVar:

NM_001135649.3(FOXI3):c.1125C>A (p.Ser375Arg)

Gene: FOXI3 (forkhead box I3; minus strand). Cytogenetic location: 2p11.2.
Variant type: single nucleotide variant.
Coding change: c.1125C>A on transcript NM_001135649.3 (MANE Select); coding-DNA position 1125, C replaced by A.
Protein change: p.Ser375Arg; replaces serine 375 with arginine.
Molecular consequence: missense variant.
Genome position (GRCh38, 1-based): chr2:88,448,345, G>T on the plus strand (C>A on the coding strand, the complement: FOXI3 is on the minus strand). VCF-style: chr2-88448345-G-T. GRCh37 (hg19) VCF-style: chr2-88747864-G-T.
Other names: short protein forms S375R.
Identifiers: ClinVar variation 1463995 (VCV001463995.6), dbSNP rs2104257845, ClinGen allele CA347764405.
Genomic context (GRCh38, chr2:88,448,345, plus strand): 5'-GCTTTGCCCCCCGCTGGTGCTGGCAGGGAAAGGGCTGTAATAGGAAGATCTCTGGCCGGT[G>T]CTATTGCTGGTGCTATTGCTCAGTTGCAAGGTGTCTGCTGAGGCCTCTGAGATGGAGGTC-3'
Protein context (NP_001129121.1, residues 365-385): TLQLSNSTSN[Ser375Arg]TGQRSSYYSP

ClinVar aggregate classification (germline): Uncertain significance (1 of 4 stars; one submission).

Submission:

Labcorp Genetics (formerly Invitae), Labcorp
Classification: Uncertain significance. Last evaluated: 2022-06-09. Review status: criteria provided, single submitter. Criteria: Invitae Variant Classification Sherloc (09022015). Collection method: clinical testing. Allele origin: germline.
Comment: In summary, the available evidence is currently insufficient to determine the role of this variant in disease. Therefore, it has been classified as a Variant of Uncertain Significance. Experimental studies and prediction algorithms are not available or were not evaluated, and the functional significance of this variant is currently unknown. This variant has not been reported in the literature in individuals affected with FOXI3-related conditions. This variant is not present in population databases (gnomAD no frequency). This sequence change replaces serine, which is neutral and polar, with arginine, which is basic and polar, at codon 375 of the FOXI3 protein (p.Ser375Arg).